The following is an entry in ClinVar:

NM_000465.4(BARD1):c.793T>A (p.Ser265Thr)

Gene: BARD1 (BRCA1 associated RING domain 1; minus strand). Cytogenetic location: 2q35.
Variant type: single nucleotide variant.
Coding change: c.793T>A on transcript NM_000465.4 (MANE Select); coding-DNA position 793, T replaced by A.
Protein change: p.Ser265Thr; replaces serine 265 with threonine.
Molecular consequence: missense variant. On other transcripts: non-coding transcript variant (2), intron variant (3).
Genome position (GRCh38, 1-based): chr2:214,781,081, A>T on the plus strand (T>A on the coding strand, the complement: BARD1 is on the minus strand). VCF-style: chr2-214781081-A-T. GRCh37 (hg19) VCF-style: chr2-215645805-A-T.
Other names: c.736T>A, p.Ser246Thr (NM_001282543.2); c.158+28331T>A (NM_001282548.2); c.215+15980T>A (NM_001282545.2); c.364+11216T>A (NM_001282549.2); short protein forms S265T, S246T.
Identifiers: ClinVar variation 827347 (VCV000827347.11), dbSNP rs751701338, ClinGen allele CA2090379.

ClinVar aggregate classification (germline): Uncertain significance. Review status: criteria provided, multiple submitters, no conflicts (2 of 4 stars). 2 submissions from 2 submitters: Uncertain significance (2). Last evaluated 2022-10-11.

Conditions:
Familial cancer of breast. Also called: BREAST CANCER, FAMILIAL; Hereditary breast cancer; hereditary breast carcinoma. Identifiers: Orphanet 227535, MedGen C0346153, MONDO:0016419, OMIM 114480. Disease mechanism: loss of function.
Hereditary cancer-predisposing syndrome. Also called: Neoplastic Syndromes, Hereditary; Tumor predisposition; Hereditary neoplastic syndrome; Hereditary Cancer Syndrome. Identifiers: Orphanet 140162, MedGen C0027672, MeSH D009386, MONDO:0015356.

Allele frequency attached by ClinVar (database versions not stated): gnomAD exomes below 0.00001; ExAC 0.00001.
gnomAD v4.1: 1 of 1,595,302 alleles (0.000063%); highest among the groups gnomAD compares: Non-Finnish European, 0.000085%; no homozygotes.

Submissions (2):

Ambry Genetics
Classification: Uncertain significance for Hereditary cancer-predisposing syndrome. Last evaluated: 2022-10-11. Review status: criteria provided, single submitter. Criteria: Ambry Variant Classification Scheme 2023. Collection method: clinical testing. Allele origin: germline.
Comment: The p.S265T variant (also known as c.793T>A), located in coding exon 4 of the BARD1 gene, results from a T to A substitution at nucleotide position 793. The serine at codon 265 is replaced by threonine, an amino acid with similar properties. This amino acid position is not well conserved in available vertebrate species. In addition, this alteration is predicted to be tolerated by in silico analysis. Since supporting evidence is limited at this time, the clinical significance of this alteration remains unclear.

Labcorp Genetics (formerly Invitae), Labcorp
Classification: Uncertain significance for Familial cancer of breast. Last evaluated: 2022-06-27. Review status: criteria provided, single submitter. Criteria: Invitae Variant Classification Sherloc (09022015). Collection method: clinical testing. Allele origin: germline.
Comment: This variant has not been reported in the literature in individuals affected with BARD1-related conditions. In summary, the available evidence is currently insufficient to determine the role of this variant in disease. Therefore, it has been classified as a Variant of Uncertain Significance. Algorithms developed to predict the effect of missense changes on protein structure and function are either unavailable or do not agree on the potential impact of this missense change (SIFT: "Tolerated"; PolyPhen-2: "Possibly Damaging"; Align-GVGD: "Class C0"). ClinVar contains an entry for this variant (Variation ID: 827347). This variant is present in population databases (rs751701338, gnomAD 0.0009%). This sequence change replaces serine, which is neutral and polar, with threonine, which is neutral and polar, at codon 265 of the BARD1 protein (p.Ser265Thr).